The following is an entry in ClinVar:

ClinVar aggregate classification (germline): Likely benign. Review status: criteria provided, multiple submitters, no conflicts (2 of 4 stars). 6 submissions from 6 submitters: Likely benign (5). 1 of the submissions does not count toward it. Last evaluated 2026-02-01.

Conditions:
Inborn genetic diseases. Identifiers: MedGen C0950123, MeSH D030342.
SAR1B-related disorder. Also called: SAR1B-related condition.

Allele frequency attached by ClinVar (database versions not stated): 1000 Genomes Project 30x 0.00078; 1000 Genomes Project 0.00080; gnomAD 0.00121; ESP Exome Variant Server 0.00123; TOPMed 0.00138; ExAC 0.00166.
gnomAD v4.1: 2,542 of 1,614,064 alleles (0.16%); highest among the groups gnomAD compares: Middle Eastern, 0.3%; 5 homozygotes.

Submissions (6):

Labcorp Genetics (formerly Invitae), Labcorp
Classification: Likely benign. Last evaluated: 2026-02-01. Review status: criteria provided, single submitter. Criteria: Invitae Variant Classification Sherloc (09022015). Collection method: clinical testing. Allele origin: germline.

Blueprint Genetics
Classification: Likely benign. Last evaluated: 2024-11-20. Review status: criteria provided, single submitter. Criteria: ACMG Guidelines, 2015. Collection method: clinical testing. Allele origin: germline.

Ambry Genetics
Classification: Likely benign for Inborn genetic diseases. Last evaluated: 2024-11-12. Review status: criteria provided, single submitter. Criteria: Ambry Variant Classification Scheme 2023. Collection method: clinical testing. Allele origin: germline.

GeneDx
Classification: Likely benign. Last evaluated: 2021-03-23. Review status: criteria provided, single submitter. Criteria: GeneDx Variant Classification Process June 2021. Collection method: clinical testing. Allele origin: germline. Affected: yes.

Breakthrough Genomics
Classification: Likely benign. Review status: criteria provided, single submitter. Criteria: ACMG Guidelines, 2015. Collection method: not provided. Allele origin: germline. Inheritance: Autosomal recessive inheritance. Affected: yes.

PreventionGenetics, part of Exact Sciences
Classification: Likely benign for SAR1B-related condition. Last evaluated: 2023-11-27. Review status: no assertion criteria provided. Collection method: clinical testing. Allele origin: germline. Not counted in ClinVar's aggregate classification.
Comment: This variant is classified as likely benign based on ACMG/AMP sequence variant interpretation guidelines (Richards et al. 2015 PMID: 25741868, with internal and published modifications).

NM_016103.4(SAR1B):c.321G>A (p.Arg107=)

Gene: SAR1B (secretion associated Ras related GTPase 1B; minus strand). Cytogenetic location: 5q31.1.
Variant type: single nucleotide variant.
Coding change: c.321G>A on transcript NM_016103.4 (MANE Select); coding-DNA position 321, G replaced by A.
Protein change: p.Arg107=; no amino-acid change (arginine 107 retained).
Molecular consequence: synonymous variant.
Genome position (GRCh38, 1-based): chr5:134,609,598, C>T on the plus strand (G>A on the coding strand, the complement: SAR1B is on the minus strand). VCF-style: chr5-134609598-C-T. GRCh37 (hg19) VCF-style: chr5-133945288-C-T.
Other names: c.321G>A, p.Arg107= (NM_001033503.3).
Identifiers: ClinVar variation 728544 (VCV000728544.17), dbSNP rs140899111, ClinGen allele CA3414477.